The following is an entry in ClinVar:

ClinVar aggregate classification (germline): Likely pathogenic (1 of 4 stars; one submission).

Conditions:
RDH12-related disorder. Also called: RDH12-related disorders; RDH12-related condition.

Submission:

PreventionGenetics, part of Exact Sciences
Classification: Likely pathogenic for RDH12-related condition. Last evaluated: 2022-11-22. Review status: criteria provided, single submitter. Criteria: ACMG Guidelines, 2015. Collection method: clinical testing. Allele origin: germline.
Comment: The RDH12 c.912_916del5 variant is predicted to result in a frameshift and premature protein termination (p.Trp304Cysfs*4). To our knowledge, this variant has not been reported in the literature or in a large population database, indicating this variant is rare. Frameshift variants in RDH12 are expected to be pathogenic. This variant is interpreted as likely pathogenic.

NM_152443.3(RDH12):c.912_916del (p.Trp304fs)

Genes: GPHN (gephyrin; plus strand), RDH12 (retinol dehydrogenase 12; plus strand), ZFYVE26 (zinc finger FYVE-type containing 26; minus strand). Cytogenetic location: 14q24.1.
Variant type: Deletion.
Coding change: c.912_916del on transcript NM_152443.3 (MANE Select); coding-DNA positions 912 to 916, 5 bases deleted (GAATG; older notation c.912_916delGAATG).
Protein change: p.Trp304fs; shifts the reading frame from tryptophan 304.
Molecular consequence: frameshift variant.
Genome position (GRCh38, 1-based): chr14:67,733,809-67,733,813, GAATG deleted; deleting any 5 consecutive bases within chr14:67,733,806-67,733,813 gives the same sequence; the c. name uses the placement nearest the transcript's 3' end. VCF-style (leftmost placement, unchanged base first): chr14-67733805-TATGGA-T. GRCh37 (hg19) VCF-style: chr14-68200522-TATGGA-T.
Other names: short protein forms W304fs.
Identifiers: ClinVar variation 2635583 (VCV002635583.1), dbSNP rs2503871870, ClinGen allele CA2695199828.